The following is an entry in ClinVar:

NM_000089.4(COL1A2):c.1318C>T (p.Arg440Cys)

Gene: COL1A2 (collagen type I alpha 2 chain; plus strand). Cytogenetic location: 7q21.3.
Variant type: single nucleotide variant.
Coding change: c.1318C>T on transcript NM_000089.4 (MANE Select); coding-DNA position 1318, C replaced by T.
Protein change: p.Arg440Cys; replaces arginine 440 with cysteine.
Molecular consequence: missense variant.
Genome position (GRCh38, 1-based): chr7:94,411,122, C>T. VCF-style: chr7-94411122-C-T. GRCh37 (hg19) VCF-style: chr7-94040434-C-T.
Other names: short protein forms R440C.
Identifiers: ClinVar variation 450667 (VCV000450667.12), dbSNP rs754825427, ClinGen allele CA4346998.

ClinVar aggregate classification (germline): Uncertain significance. Review status: criteria provided, multiple submitters, no conflicts (2 of 4 stars). 3 submissions from 3 submitters: Uncertain significance (3). Last evaluated 2024-07-29.

Conditions:
Ehlers-Danlos syndrome, classic type, 1 (EDSCL1). Also called: EHLERS-DANLOS SYNDROME, GRAVIS TYPE; EHLERS-DANLOS SYNDROME, SEVERE CLASSIC TYPE; EDS I; Ehlers-Danlos Syndrome, Classic Type, COL5A1-Related; Ehlers-Danlos syndrome, type 1. Identifiers: MedGen C0268335, MONDO:0019567, OMIM 130000.
Osteogenesis imperfecta type I (OI1). Also called: OI, TYPE I; OSTEOGENESIS IMPERFECTA TARDA; OSTEOGENESIS IMPERFECTA WITH BLUE SCLERAE; Classic Non-deforming Osteogenesis Imperfecta with Blue Sclerae; Lobstein disease; Osteogenesis imperfecta type 1. Identifiers: Orphanet 216796, Orphanet 666, MedGen C0023931, MONDO:0008146, OMIM 166200. Disease mechanism: loss of function.
Connective tissue disorder. Also called: Connective tissue disease. Identifiers: MedGen C0009782, MONDO:0003900.

Allele frequency attached by ClinVar (database versions not stated): ExAC 0.00002; TOPMed below 0.00001; gnomAD exomes 0.00001.
gnomAD v4.1: 11 of 1,598,158 alleles (0.00069%); highest among the groups gnomAD compares: South Asian, 0.0068%; no homozygotes.

Submissions (3):

Labcorp Genetics (formerly Invitae), Labcorp
Classification: Uncertain significance for Osteogenesis imperfecta type I; Ehlers-Danlos syndrome, classic type, 1. Last evaluated: 2024-07-29. Review status: criteria provided, single submitter. Criteria: Invitae Variant Classification Sherloc (09022015). Collection method: clinical testing. Allele origin: germline.
Comment: This sequence change replaces arginine, which is basic and polar, with cysteine, which is neutral and slightly polar, at codon 440 of the COL1A2 protein (p.Arg440Cys). The frequency data for this variant in the population databases is considered unreliable, as metrics indicate poor data quality at this position in the gnomAD database. This variant has not been reported in the literature in individuals affected with COL1A2-related conditions. ClinVar contains an entry for this variant (Variation ID: 450667). Advanced modeling of protein sequence and biophysical properties (such as structural, functional, and spatial information, amino acid conservation, physicochemical variation, residue mobility, and thermodynamic stability) performed at Invitae indicates that this missense variant is expected to disrupt COL1A2 protein function with a positive predictive value of 95%. In summary, the available evidence is currently insufficient to determine the role of this variant in disease. Therefore, it has been classified as a Variant of Uncertain Significance.

GeneDx
Classification: Uncertain significance. Last evaluated: 2017-07-26. Review status: criteria provided, single submitter. Criteria: GeneDx Variant Classification (06012015). Collection method: clinical testing. Allele origin: germline. Affected: yes.
Comment: A variant of uncertain significance has been identified in the COL1A2 gene. The R440C variant has not been published as a pathogenic variant, nor has it been reported as a benign variant to our knowledge. The R440C variant is not observed at a significant frequency in large population cohorts (Lek et al., 2016; 1000 Genomes Consortium et al., 2015; Exome Variant Server). The R440C variant is a non-conservative amino acid substitution, which is likely to impact secondary protein structure as these residues differ in polarity, charge, size and/or other properties. Additionally, this substitution occurs at a position that is conserved across species, and in silico analysis predicts this variant is probably damaging to the protein structure/function. Missense variants in nearby residues (G439D, G442E, G445R) have been reported in the Human Gene Mutation Database in association with osteogenesis imperfecta (Stenson et al., 2014), supporting the functional importance of this region of the protein. Based on the currently available information, it is unclear whether this variant is a pathogenic variant or a rare benign variant.

Center for Human Genetics, Inc
Classification: Uncertain significance for Connective tissue disorder. Last evaluated: 2016-11-01. Review status: criteria provided, single submitter. Criteria: ACMG Guidelines, 2015. Collection method: clinical testing. Allele origin: germline. Affected: yes.